The following is an entry in ClinVar:

ClinVar aggregate classification (germline): Likely benign (0 of 4 stars; one submission).

Conditions:
RFX6-related disorder. Also called: RFX6-related condition.

Submission:

PreventionGenetics, part of Exact Sciences
Classification: Likely benign for RFX6-related condition. Last evaluated: 2022-02-01. Review status: no assertion criteria provided. Collection method: clinical testing. Allele origin: germline.
Comment: This variant is classified as likely benign based on ACMG/AMP sequence variant interpretation guidelines (Richards et al. 2015 PMID: 25741868, with internal and published modifications).

NM_173560.4(RFX6):c.1328-12_1328-10del

Gene: RFX6 (regulatory factor X6; plus strand). Cytogenetic location: 6q22.1.
Variant type: Deletion.
Coding change: c.1328-12_1328-10del on transcript NM_173560.4 (MANE Select); 12 bases into the intron before coding-DNA position 1328 through 10 bases into the intron before coding-DNA position 1328, 3 bases deleted (TTT; older notation c.1328-12_1328-10delTTT).
Molecular consequence: intron variant.
Genome position (GRCh38, 1-based): chr6:116,922,030-116,922,032, TTT deleted; deleting any 3 consecutive bases within chr6:116,922,019-116,922,032 gives the same sequence; the c. name uses the placement nearest the transcript's 3' end. VCF-style (leftmost placement, unchanged base first): chr6-116922018-CTTT-C. GRCh37 (hg19) VCF-style: chr6-117243181-CTTT-C.
Identifiers: ClinVar variation 3052277 (VCV003052277.2), dbSNP rs77230084, ClinGen allele CA3973281.
Genomic context (GRCh38, chr6:116,922,018, plus strand): 5'-CAAGTTTTAGGTTTTCTCTTGGATTCCAAGTAGAGTACAATATTCTGTTTTCTTTTCTTT[CTTT>C]TTTTTTTTTTTCCTGGGTAGATGACTCTATCACTGTGTTCCAAGAACTGAAGGATCTCCT-3'